The following is an entry in ClinVar:

ClinVar aggregate classification (germline): Uncertain significance (1 of 4 stars; one submission).

Conditions:
X-linked Emery-Dreifuss muscular dystrophy. Also called: Muscular dystrophy, tardive Emery-Dreifuss type, with contractures. Identifiers: Orphanet 261, Orphanet 98863, MedGen C0751337, MONDO:0010680.

Submission:

Labcorp Genetics (formerly Invitae), Labcorp
Classification: Uncertain significance for X-linked Emery-Dreifuss muscular dystrophy. Last evaluated: 2024-07-01. Review status: criteria provided, single submitter. Criteria: Invitae Variant Classification Sherloc (09022015). Collection method: clinical testing. Allele origin: germline.
Comment: This sequence change affects codon 18 of the EMD mRNA. It is a 'silent' change, meaning that it does not change the encoded amino acid sequence of the EMD protein. This variant is not present in population databases (gnomAD no frequency). This variant has not been reported in the literature in individuals affected with EMD-related conditions. ClinVar contains an entry for this variant (Variation ID: 1489618). Algorithms developed to predict the effect of sequence changes on RNA splicing suggest that this variant may disrupt the consensus splice site. In summary, the available evidence is currently insufficient to determine the role of this variant in disease. Therefore, it has been classified as a Variant of Uncertain Significance.

NM_000117.3(EMD):c.52C>A (p.Arg18=)

Gene: EMD (emerin; plus strand). Cytogenetic location: Xq28.
Variant type: single nucleotide variant.
Coding change: c.52C>A on transcript NM_000117.3 (MANE Select); coding-DNA position 52, C replaced by A.
Protein change: p.Arg18=; no amino-acid change (arginine 18 retained).
Molecular consequence: synonymous variant.
Genome position (GRCh38, 1-based): chrX:154,379,536, C>A. VCF-style: chrX-154379536-C-A. GRCh37 (hg19) VCF-style: chrX-153607896-C-A.
Identifiers: ClinVar variation 1489618 (VCV001489618.8), dbSNP rs2148127991, ClinGen allele CA519277806.
Genomic context (GRCh38, chrX:154,379,536, plus strand): 5'-GCACCCGCCATGGACAACTACGCAGATCTTTCGGATACCGAGCTGACCACCTTGCTGCGC[C>A]GGTACAACATCCCGCACGGGCCTGTAGTAGGTACGCGGCGGCGGGCGGGACCCCTTCCGG-3'
Protein context (NP_000108.1, residues 8-28): SDTELTTLLR[Arg18=]YNIPHGPVVG